The following is an entry in ClinVar:

NM_000135.4(FANCA):c.1258G>C (p.Glu420Gln)

Gene: FANCA (FA complementation group A; minus strand). Cytogenetic location: 16q24.3.
Variant type: single nucleotide variant.
Coding change: c.1258G>C on transcript NM_000135.4 (MANE Select); coding-DNA position 1258, G replaced by C.
Protein change: p.Glu420Gln; replaces glutamic acid 420 with glutamine.
Molecular consequence: missense variant.
Genome position (GRCh38, 1-based): chr16:89,791,504, C>G on the plus strand (G>C on the coding strand, the complement: FANCA is on the minus strand). VCF-style: chr16-89791504-C-G. GRCh37 (hg19) VCF-style: chr16-89857912-C-G.
Other names: c.1258G>C, p.Glu420Gln (NM_001286167.3); short protein forms E420Q.
Identifiers: ClinVar variation 4870805 (VCV004870805.1).

ClinVar aggregate classification (germline): Uncertain significance (1 of 4 stars; one submission).

Conditions:
Inborn genetic diseases. Identifiers: MedGen C0950123, MeSH D030342.

Submission:

Ambry Genetics
Classification: Uncertain significance for Inborn genetic diseases. Last evaluated: 2026-03-30. Review status: criteria provided, single submitter. Criteria: Ambry Variant Classification Scheme 2023. Collection method: clinical testing. Allele origin: germline.
Comment: The p.E420Q variant (also known as c.1258G>C), located in coding exon 14 of the FANCA gene, results from a G to C substitution at nucleotide position 1258. The glutamic acid at codon 420 is replaced by glutamine, an amino acid with highly similar properties. This amino acid position is conserved. In addition, the in silico prediction for this alteration is inconclusive. Based on the available evidence, the clinical significance of this variant remains unclear.